The following is an entry in ClinVar:

ClinVar aggregate classification (germline): Uncertain significance. Review status: criteria provided, multiple submitters, no conflicts (2 of 4 stars). 2 submissions from 2 submitters: Uncertain significance (2). Last evaluated 2024-07-11.

Conditions:
Ataxia-telangiectasia syndrome (AT). Also called: Ataxia telangiectasia (A-T); LOUIS-BAR SYNDROME; Cerebello-oculocutaneous telangiectasia; Immunodeficiency with ataxia telangiectasia; Ataxia-telangiectasia, complementation group D; AT, COMPLEMENTATION GROUP C. Identifiers: Orphanet 100, MedGen C0004135, MONDO:0008840, OMIM 208900.
Hereditary cancer-predisposing syndrome. Also called: Neoplastic Syndromes, Hereditary; Tumor predisposition; Hereditary neoplastic syndrome; Hereditary Cancer Syndrome. Identifiers: Orphanet 140162, MedGen C0027672, MeSH D009386, MONDO:0015356.

Submissions (2):

Labcorp Genetics (formerly Invitae), Labcorp
Classification: Uncertain significance for Ataxia-telangiectasia syndrome. Last evaluated: 2024-07-11. Review status: criteria provided, single submitter. Criteria: Invitae Variant Classification Sherloc (09022015). Collection method: clinical testing. Allele origin: germline.
Comment: This sequence change replaces proline, which is neutral and non-polar, with serine, which is neutral and polar, at codon 260 of the ATM protein (p.Pro260Ser). This variant is not present in population databases (gnomAD no frequency). This variant has not been reported in the literature in individuals affected with ATM-related conditions. ClinVar contains an entry for this variant (Variation ID: 1760634). An algorithm developed to predict the effect of missense changes on protein structure and function (PolyPhen-2) suggests that this variant is likely to be disruptive. In summary, the available evidence is currently insufficient to determine the role of this variant in disease. Therefore, it has been classified as a Variant of Uncertain Significance.

Ambry Genetics
Classification: Uncertain significance for Hereditary cancer-predisposing syndrome. Last evaluated: 2022-04-12. Review status: criteria provided, single submitter. Criteria: Ambry Variant Classification Scheme 2023. Collection method: clinical testing. Allele origin: germline.
Comment: The p.P260S variant (also known as c.778C>T), located in coding exon 6 of the ATM gene, results from a C to T substitution at nucleotide position 778. The proline at codon 260 is replaced by serine, an amino acid with similar properties. This alteration was observed with an allele frequency of 0 in 7,051 unselected female breast cancer patients and was observed with an allele frequency of 0.00009 in 11,241 female controls of Japanese ancestry. This amino acid position is well conserved in available vertebrate species. In addition, this alteration is predicted to be tolerated by in silico analysis. Since supporting evidence is limited at this time, the clinical significance of this alteration remains unclear.

Literature cited by the submitters: PubMed 30287823 (cited by Ambry Genetics).

NM_000051.4(ATM):c.778C>T (p.Pro260Ser)

Gene: ATM (ATM serine/threonine kinase; plus strand). Cytogenetic location: 11q22.3.
Variant type: single nucleotide variant.
Coding change: c.778C>T on transcript NM_000051.4 (MANE Select); coding-DNA position 778, C replaced by T.
Protein change: p.Pro260Ser; replaces proline 260 with serine.
Molecular consequence: missense variant.
Genome position (GRCh38, 1-based): chr11:108,244,903, C>T. VCF-style: chr11-108244903-C-T. GRCh37 (hg19) VCF-style: chr11-108115630-C-T.
Other names: c.778C>T, p.Pro260Ser (NM_001351834.2); short protein forms P260S.
Identifiers: ClinVar variation 1760634 (VCV001760634.4), dbSNP rs863224581, ClinGen allele CA382529329.